The following is an entry in ClinVar:

ClinVar aggregate classification (germline): Uncertain significance. Review status: criteria provided, multiple submitters, no conflicts (2 of 4 stars). 3 submissions from 3 submitters: Uncertain significance (3). Last evaluated 2025-08-27.

Conditions:
Hereditary pheochromocytoma and paraganglioma. Also called: Hereditary pheochromocytoma-paraganglioma; Hereditary Paraganglioma-Pheochromocytoma Syndromes; Hereditary paragangliomas and pheochromocytomas. Identifiers: Orphanet 29072, MedGen C4274332, MONDO:0017366.
Hereditary cancer-predisposing syndrome. Also called: Neoplastic Syndromes, Hereditary; Hereditary Cancer Syndrome; Hereditary neoplastic syndrome; Tumor predisposition. Identifiers: Orphanet 140162, MedGen C0027672, MeSH D009386, MONDO:0015356.
Pheochromocytoma/paraganglioma syndrome 4. Also called: SDHB-Related Hereditary Paraganglioma-Pheochromocytoma Syndrome (Paragangliomas 4); SDHB-Related Hereditary Paraganglioma-Pheochromocytoma Syndrome; Paragangliomas 4; CAROTID BODY TUMORS AND MULTIPLE EXTRAADRENAL PHEOCHROMOCYTOMAS; PARAGANGLIOMA, FAMILIAL MALIGNANT; PARAGANGLIOMAS, HEREDITARY EXTRAADRENAL. Identifiers: Orphanet 29072, MedGen C1861848, MONDO:0007273, OMIM 115310.
Gastrointestinal stromal tumor. Also called: Gastrointestinal stromal tumor, somatic; Gastrointestinal stroma tumor. Identifiers: Orphanet 44890, MedGen C0238198, MeSH D046152, MONDO:0011719, OMIM 606764, HP:0100723.
Pheochromocytoma. Also called: MAX-Related Hereditary Paraganglioma-Pheochromocytoma Syndrome. Identifiers: Orphanet 29072, MedGen C0031511, MONDO:0008233, OMIM 171300, HP:0002666.

Allele frequency attached by ClinVar (database versions not stated): gnomAD exomes below 0.00001.
gnomAD v4.1: 1 of 1,607,310 alleles (0.000062%); highest among the groups gnomAD compares: South Asian, 0.0011%; no homozygotes.

Submissions (3):

Color Diagnostics, LLC DBA Color Health
Classification: Uncertain significance for Hereditary pheochromocytoma and paraganglioma. Last evaluated: 2025-08-27. Review status: criteria provided, single submitter. Criteria: ACMG Guidelines, 2015. Collection method: clinical testing. Allele origin: germline.
Comment: This variant changes T>G in the termination codon of the SDHB gene, disrupting the translation stop signal and extending the protein by 5 amino acids. To our knowledge, functional studies have not been reported for this variant. This variant has been reported in an individual affected with clear cell renal carcinoma (PMID: 35441217). This variant has been identified in 1/251338 chromosomes in the general population by the Genome Aggregation Database (gnomAD). The available evidence is insufficient to determine the role of this variant in disease conclusively. Therefore, this variant is classified as a Variant of Uncertain Significance.

Labcorp Genetics (formerly Invitae), Labcorp
Classification: Uncertain significance for Gastrointestinal stromal tumor; Pheochromocytoma/paraganglioma syndrome 4; Pheochromocytoma. Last evaluated: 2024-05-21. Review status: criteria provided, single submitter. Criteria: Invitae Variant Classification Sherloc (09022015). Collection method: clinical testing. Allele origin: germline.
Comment: This sequence change disrupts the translational stop signal of the SDHB mRNA. It is expected to extend the length of the SDHB protein by 5 additional amino acid residues. This variant is present in population databases (no rsID available, gnomAD 0.003%). This protein extension has been observed in individual(s) with renal cell carcinoma (PMID: 35441217). ClinVar contains an entry for this variant (Variation ID: 822405). In summary, the available evidence is currently insufficient to determine the role of this variant in disease. Therefore, it has been classified as a Variant of Uncertain Significance.

Ambry Genetics
Classification: Uncertain significance for Hereditary cancer-predisposing syndrome. Last evaluated: 2023-01-05. Review status: criteria provided, single submitter. Criteria: Ambry Variant Classification Scheme 2023. Collection method: clinical testing. Allele origin: germline.
Comment: The c.841T>G variant (also known as p.*281Eext*5), located in coding exon 8 of the SDHB gene, results from a T to G substitution at nucleotide position 841. This alteration disrupts the stop codon of the SDHB gene and is predicted to preserve the native sequence while resulting in the elongation of the protein by 5 amino acids. The exact functional effect of the additional amino acids is unknown. Since supporting evidence is limited at this time, the clinical significance of this alteration remains unclear.

Literature cited by the submitters: PubMed 35441217 (cited by Color Diagnostics, LLC DBA Color Health and Labcorp Genetics (formerly Invitae), Labcorp).

NM_003000.3(SDHB):c.841T>G (p.Ter281Glu)

Gene: SDHB (succinate dehydrogenase complex iron sulfur subunit B; minus strand). Cytogenetic location: 1p36.13.
Variant type: single nucleotide variant.
Coding change: c.841T>G on transcript NM_003000.3 (MANE Select); coding-DNA position 841, T replaced by G.
Protein change: p.Ter281Glu.
Molecular consequence: stop lost.
Genome position (GRCh38, 1-based): chr1:17,018,883, A>C on the plus strand (T>G on the coding strand, the complement: SDHB is on the minus strand). VCF-style: chr1-17018883-A-C. GRCh37 (hg19) VCF-style: chr1-17345378-A-C.
Identifiers: ClinVar variation 822405 (VCV000822405.9), dbSNP rs1316826258, ClinGen allele CA338268614.
Genomic context (GRCh38, chr1:17,018,883, plus strand): 5'-AGATATAAATTATGTTCAGCTCTGAGCTGGTTATAAATCATGTTTAGCATGGAAACAGTT[A>C]AACTGAAGCTTTCTTCTCCTTATAGGTTGCCATCATTTTCTTGATCTCTGCAATAGCTTT-3'